The following is an entry in ClinVar:

NM_001478.5(B4GALNT1):c.263G>A (p.Gly88Asp)

Gene: B4GALNT1 (beta-1,4-N-acetyl-galactosaminyltransferase 1; minus strand). Cytogenetic location: 12q13.3.
Variant type: single nucleotide variant.
Coding change: c.263G>A on transcript NM_001478.5 (MANE Select); coding-DNA position 263, G replaced by A.
Protein change: p.Gly88Asp; replaces glycine 88 with aspartic acid.
Molecular consequence: missense variant. On other transcripts: intron variant (6).
Genome position (GRCh38, 1-based): chr12:57,631,320, C>T on the plus strand (G>A on the coding strand, the complement: B4GALNT1 is on the minus strand). VCF-style: chr12-57631320-C-T. GRCh37 (hg19) VCF-style: chr12-58025103-C-T.
Other names: c.263G>A, p.Gly88Asp (NM_001276469.2, NM_001413967.1, NM_001413968.1 and 9 more transcripts); c.219-234G>A (NM_001413978.1, NM_001276468.2); c.-660+19G>A (NM_001413984.1, NM_001413982.1, NM_001413981.1 and 1 more transcripts); short protein forms G88D.
Identifiers: ClinVar variation 3651389 (VCV003651389.2).

ClinVar aggregate classification (germline): Uncertain significance (1 of 4 stars; one submission).

Conditions:
Spastic paraplegia. Identifiers: MedGen C0037772, HP:0001258.

Submission:

Labcorp Genetics (formerly Invitae), Labcorp
Classification: Uncertain significance for Spastic paraplegia. Last evaluated: 2024-05-06. Review status: criteria provided, single submitter. Criteria: Invitae Variant Classification Sherloc (09022015). Collection method: clinical testing. Allele origin: germline.
Comment: This sequence change replaces glycine, which is neutral and non-polar, with aspartic acid, which is acidic and polar, at codon 88 of the B4GALNT1 protein (p.Gly88Asp). This variant is present in population databases (no rsID available, gnomAD 0.003%). This variant has not been reported in the literature in individuals affected with B4GALNT1-related conditions. An algorithm developed to predict the effect of missense changes on protein structure and function (PolyPhen-2) suggests that this variant is likely to be tolerated. In summary, the available evidence is currently insufficient to determine the role of this variant in disease. Therefore, it has been classified as a Variant of Uncertain Significance.